The following is an entry in ClinVar:

ClinVar aggregate classification (germline): Uncertain significance. Review status: criteria provided, multiple submitters, no conflicts (2 of 4 stars). 3 submissions from 3 submitters: Uncertain significance (3). Last evaluated 2024-04-15.

Conditions:
Emery-Dreifuss muscular dystrophy 4, autosomal dominant (EDMD4). Also called: EMERY-DREIFUSS MUSCULAR DYSTROPHY 4 WITH VARIABLE FEATURES. Identifiers: Orphanet 261, MedGen C2751807, MONDO:0013071, OMIM 612998.
Autosomal recessive ataxia, Beauce type. Also called: Spinocerebellar ataxia, autosomal recessive 8; ATAXIA, RECESSIVE, OF BEAUCE; SYNE1-Related Autosomal Recessive Cerebellar Ataxia; SYNE1 Deficiency. Identifiers: Orphanet 88644, MedGen C1853116, MONDO:0012549, OMIM 610743.

Allele frequency attached by ClinVar (database versions not stated): gnomAD 0.00001; gnomAD exomes 0.00002 and 0.00006; TOPMed 0.00002; ExAC 0.00003; ESP Exome Variant Server 0.00008.
gnomAD v4.1: 88 of 1,613,436 alleles (0.0055%); highest among the groups gnomAD compares: Non-Finnish European, 0.0073%; no homozygotes.

Submissions (3):

Revvity Omics, Revvity
Classification: Uncertain significance. Last evaluated: 2024-04-15. Review status: criteria provided, single submitter. Criteria: ACMG Guidelines, 2015. Collection method: clinical testing. Allele origin: germline.

Labcorp Genetics (formerly Invitae), Labcorp
Classification: Uncertain significance for Emery-Dreifuss muscular dystrophy 4, autosomal dominant; Autosomal recessive ataxia, Beauce type. Last evaluated: 2019-10-04. Review status: criteria provided, single submitter. Criteria: Invitae Variant Classification Sherloc (09022015). Collection method: clinical testing. Allele origin: germline.
Comment: In summary, the available evidence is currently insufficient to determine the role of this variant in disease. Therefore, it has been classified as a Variant of Uncertain Significance. Algorithms developed to predict the effect of missense changes on protein structure and function are either unavailable or do not agree on the potential impact of this missense change (SIFT: "Deleterious"; PolyPhen-2: "Probably Damaging"; Align-GVGD: "Class C0"). This variant has not been reported in the literature in individuals with SYNE1-related conditions. ClinVar contains an entry for this variant (Variation ID: 448541). This variant is present in population databases (rs372327585, ExAC 0.006%). This sequence change replaces glutamic acid with alanine at codon 373 of the SYNE1 protein (p.Glu373Ala). The glutamic acid residue is highly conserved and there is a moderate physicochemical difference between glutamic acid and alanine.

Athena Diagnostics
Classification: Uncertain significance. Last evaluated: 2017-07-05. Review status: criteria provided, single submitter. Criteria: Athena Diagnostics Criteria. Collection method: clinical testing. Allele origin: germline.

NM_182961.4(SYNE1):c.1097A>C (p.Glu366Ala)

Gene: SYNE1 (spectrin repeat containing nuclear envelope protein 1; minus strand). Cytogenetic location: 6q25.2.
Variant type: single nucleotide variant.
Coding change: c.1097A>C on transcript NM_182961.4 (MANE Select); coding-DNA position 1097, A replaced by C.
Protein change: p.Glu366Ala; replaces glutamic acid 366 with alanine.
Molecular consequence: missense variant.
Genome position (GRCh38, 1-based): chr6:152,484,923, T>G on the plus strand (A>C on the coding strand, the complement: SYNE1 is on the minus strand). VCF-style: chr6-152484923-T-G. GRCh37 (hg19) VCF-style: chr6-152806058-T-G.
Other names: c.1118A>C, p.Glu373Ala (NM_033071.5); short protein forms E366A, E373A.
Identifiers: ClinVar variation 448541 (VCV000448541.12), dbSNP rs372327585, ClinGen allele CA4059518.
Genomic context (GRCh38, chr6:152,484,923, plus strand): 5'-TTTACCAATGCTTGGTCAAGTGACAATTTACCGTCTCTGTGTAATGGTTGTATTAAATGT[T>G]CAATCTGTTTCCTCTTCATTTCATATTGAACTCTGAAGTGCTTAAATGACTAAAAGAGGA-3'
Protein context (NP_892006.3, residues 356-376): VQYEMKRKQI[Glu366Ala]HLIQPLHRDG